The following is an entry in ClinVar:

NM_017570.5(OPLAH):c.1802G>A (p.Arg601His)

Gene: OPLAH (5-oxoprolinase, ATP-hydrolysing; minus strand). Cytogenetic location: 8q24.3.
Variant type: single nucleotide variant.
Coding change: c.1802G>A on transcript NM_017570.5 (MANE Select); coding-DNA position 1802, G replaced by A.
Protein change: p.Arg601His; replaces arginine 601 with histidine.
Molecular consequence: missense variant.
Genome position (GRCh38, 1-based): chr8:144,056,660, C>T on the plus strand (G>A on the coding strand, the complement: OPLAH is on the minus strand). VCF-style: chr8-144056660-C-T. GRCh37 (hg19) VCF-style: chr8-145111563-C-T.
Other names: short protein forms R601H.
Identifiers: ClinVar variation 2965373 (VCV002965373.2), dbSNP rs782166754, ClinGen allele CA4931729.
Genomic context (GRCh38, chr8:144,056,660, plus strand): 5'-AGTCAGGAAGCCACGTACCGCTCCACAAAGGCTGCCCCGAAGTCCCCCGCACGGGGCGAG[C>T]GGGCTGTGGCTGGGTGCTGGTGGGCAGACACCATCAGAGCACAGTCCGTGCCCTGGTAGC-3'
Protein context (NP_060040.1, residues 591-611): VSAHQHPATA[Arg601His]SPRAGDFGAA

ClinVar aggregate classification (germline): Uncertain significance (1 of 4 stars; one submission).

Conditions:
5-Oxoprolinase deficiency (OPLAHD). Also called: 5-OXOPROLINURIA DUE TO 5-OXOPROLINASE DEFICIENCY. Identifiers: Orphanet 33572, MedGen C0268525, MONDO:0009825, OMIM 260005, HP:0040142.

Allele frequency attached by ClinVar (database versions not stated): gnomAD 0.00001; gnomAD exomes 0.00001; ExAC 0.00002; TOPMed 0.00003.
gnomAD v4.1: 15 of 1,611,868 alleles (0.00093%); highest among the groups gnomAD compares: African/African-American, 0.004%; no homozygotes.

Submission:

Labcorp Genetics (formerly Invitae), Labcorp
Classification: Uncertain significance for 5-Oxoprolinase deficiency. Last evaluated: 2023-08-27. Review status: criteria provided, single submitter. Criteria: Invitae Variant Classification Sherloc (09022015). Collection method: clinical testing. Allele origin: germline.
Comment: In summary, the available evidence is currently insufficient to determine the role of this variant in disease. Therefore, it has been classified as a Variant of Uncertain Significance. Algorithms developed to predict the effect of missense changes on protein structure and function output the following: SIFT: "Not Available"; PolyPhen-2: "Not Available"; Align-GVGD: "Not Available". The histidine amino acid residue is found in multiple mammalian species, which suggests that this missense change does not adversely affect protein function. This variant has not been reported in the literature in individuals affected with OPLAH-related conditions. The frequency data for this variant in the population databases is considered unreliable, as metrics indicate poor data quality at this position in the gnomAD database. This sequence change replaces arginine, which is basic and polar, with histidine, which is basic and polar, at codon 601 of the OPLAH protein (p.Arg601His).